The following is an entry in ClinVar:

ClinVar aggregate classification (germline): Uncertain significance. Review status: criteria provided, multiple submitters, no conflicts (2 of 4 stars). 2 submissions from 2 submitters: Uncertain significance (2). Last evaluated 2024-11-06.

gnomAD v4.1: 5 of 1,613,064 alleles (0.00031%); highest among the groups gnomAD compares: Admixed American, 0.0067%; no homozygotes.

Submissions (2):

Revvity Omics, Revvity
Classification: Uncertain significance. Last evaluated: 2024-11-06. Review status: criteria provided, single submitter. Criteria: ACMG Guidelines, 2015. Collection method: clinical testing. Allele origin: germline.

Mayo Clinic Laboratories, Mayo Clinic
Classification: Uncertain significance. Last evaluated: 2024-01-23. Review status: criteria provided, single submitter. Criteria: ACMG Guidelines, 2015. Collection method: clinical testing. Allele origin: germline. Observed: 1 variant allele.
Comment: BP4, PM2_moderate

NM_003126.4(SPTA1):c.5009C>G (p.Ala1670Gly)

Gene: SPTA1 (spectrin alpha, erythrocytic 1; minus strand). Cytogenetic location: 1q23.1.
Variant type: single nucleotide variant.
Coding change: c.5009C>G on transcript NM_003126.4 (MANE Select); coding-DNA position 5009, C replaced by G.
Protein change: p.Ala1670Gly; replaces alanine 1670 with glycine.
Molecular consequence: missense variant.
Genome position (GRCh38, 1-based): chr1:158,638,213, G>C on the plus strand (C>G on the coding strand, the complement: SPTA1 is on the minus strand). VCF-style: chr1-158638213-G-C. GRCh37 (hg19) VCF-style: chr1-158608003-G-C.
Other names: p.Ala1670Gly; short protein forms A1670G.
Identifiers: ClinVar variation 3380008 (VCV003380008.2).